The following is an entry in ClinVar:

ClinVar aggregate classification (germline): Conflicting classifications of pathogenicity. Review status: criteria provided, conflicting classifications (1 of 4 stars). 2 submissions from 2 submitters: Uncertain significance (1); Likely benign (1). Last evaluated 2025-05-18.

Conditions:
Inborn genetic diseases. Identifiers: MedGen C0950123, MeSH D030342.
Orthostatic hypotension 1 (ORTHYP1). Also called: NORADRENALINE DEFICIENCY; NOREPINEPHRINE DEFICIENCY; Orthostatic hypotension 1, due to DBH deficiency; Dopamine beta-hydroxylase deficiency. Identifiers: Orphanet 230, MedGen C4746777, MONDO:0009123, OMIM 223360.

Allele frequency attached by ClinVar (database versions not stated): ExAC 0.00003; gnomAD exomes 0.00004; gnomAD 0.00007; TOPMed 0.00007.
gnomAD v4.1: 64 of 1,614,036 alleles (0.004%); highest among the groups gnomAD compares: Middle Eastern, 0.31%; 1 homozygote.

Submissions (2):

Labcorp Genetics (formerly Invitae), Labcorp
Classification: Uncertain significance for Orthostatic hypotension 1. Last evaluated: 2025-05-18. Review status: criteria provided, single submitter. Criteria: Invitae Variant Classification Sherloc (09022015). Collection method: clinical testing. Allele origin: germline.
Comment: This sequence change replaces glycine, which is neutral and non-polar, with serine, which is neutral and polar, at codon 185 of the DBH protein (p.Gly185Ser). This variant is present in population databases (rs559784553, gnomAD 0.03%). This variant has not been reported in the literature in individuals affected with DBH-related conditions. ClinVar contains an entry for this variant (Variation ID: 2457729). Invitae Evidence Modeling of protein sequence and biophysical properties (such as structural, functional, and spatial information, amino acid conservation, physicochemical variation, residue mobility, and thermodynamic stability) indicates that this missense variant is not expected to disrupt DBH protein function with a negative predictive value of 80%. In summary, the available evidence is currently insufficient to determine the role of this variant in disease. Therefore, it has been classified as a Variant of Uncertain Significance.

Ambry Genetics
Classification: Likely benign for Inborn genetic diseases. Last evaluated: 2023-02-01. Review status: criteria provided, single submitter. Criteria: Ambry Variant Classification Scheme 2023. Collection method: clinical testing. Allele origin: germline.

NM_000787.4(DBH):c.553G>A (p.Gly185Ser)

Gene: DBH (dopamine beta-hydroxylase; plus strand). Cytogenetic location: 9q34.2.
Variant type: single nucleotide variant.
Coding change: c.553G>A on transcript NM_000787.4 (MANE Select); coding-DNA position 553, G replaced by A.
Protein change: p.Gly185Ser; replaces glycine 185 with serine.
Molecular consequence: missense variant.
Genome position (GRCh38, 1-based): chr9:133,642,273, G>A. VCF-style: chr9-133642273-G-A. GRCh37 (hg19) VCF-style: chr9-136507395-G-A.
Other names: short protein forms G185S.
Identifiers: ClinVar variation 2457729 (VCV002457729.4), dbSNP rs559784553, ClinGen allele CA5313114.
Genomic context (GRCh38, chr9:133,642,273, plus strand): 5'-ACTGTCCACTTGGTCTACGGGATCCTGGAGGAGCCGTTCCGGTCACTGGAGGCCATCAAC[G>A]GCTCGGGCCTGCAGATGGGGCTGCAGAGGGTGCAGCTCCTGAAGCCCAATATCCCCGAAC-3'
Protein context (NP_000778.3, residues 175-195): EPFRSLEAIN[Gly185Ser]SGLQMGLQRV